The following is an entry in ClinVar:

ClinVar aggregate classification (germline): Uncertain significance (1 of 4 stars; one submission).

Submission:

GeneDx
Classification: Uncertain significance. Last evaluated: 2024-04-24. Review status: criteria provided, single submitter. Criteria: GeneDx Variant Classification Process June 2021. Collection method: clinical testing. Allele origin: germline. Affected: yes.
Comment: Not observed at significant frequency in large population cohorts (gnomAD); In silico analysis supports that this missense variant has a deleterious effect on protein structure/function; Has not been previously published as pathogenic or benign to our knowledge

NM_015335.5(MED13L):c.6577C>G (p.Pro2193Ala)

Gene: MED13L (mediator complex subunit 13L; minus strand). Cytogenetic location: 12q24.21.
Variant type: single nucleotide variant.
Coding change: c.6577C>G on transcript NM_015335.5 (MANE Select); coding-DNA position 6577, C replaced by G.
Protein change: p.Pro2193Ala; replaces proline 2193 with alanine.
Molecular consequence: missense variant.
Genome position (GRCh38, 1-based): chr12:115,961,322, G>C on the plus strand (C>G on the coding strand, the complement: MED13L is on the minus strand). VCF-style: chr12-115961322-G-C. GRCh37 (hg19) VCF-style: chr12-116399127-G-C.
Other names: short protein forms P2193A.
Identifiers: ClinVar variation 3369223 (VCV003369223.1).